The following is an entry in ClinVar:

NM_000069.3(CACNA1S):c.3067G>A (p.Ala1023Thr)

Gene: CACNA1S (calcium voltage-gated channel subunit alpha1 S; minus strand). Cytogenetic location: 1q32.1.
Variant type: single nucleotide variant.
Coding change: c.3067G>A on transcript NM_000069.3 (MANE Select); coding-DNA position 3067, G replaced by A.
Protein change: p.Ala1023Thr; replaces alanine 1023 with threonine.
Molecular consequence: missense variant.
Genome position (GRCh38, 1-based): chr1:201,061,455, C>T on the plus strand (G>A on the coding strand, the complement: CACNA1S is on the minus strand). VCF-style: chr1-201061455-C-T. GRCh37 (hg19) VCF-style: chr1-201030583-C-T.
Other names: short protein forms A1023T.
Identifiers: ClinVar variation 1316968 (VCV001316968.11), dbSNP rs551510986, ClinGen allele CA079530.

ClinVar aggregate classification (germline): Conflicting classifications of pathogenicity. Review status: criteria provided, conflicting classifications (1 of 4 stars). 4 submissions from 4 submitters: Uncertain significance (3); Benign (1). Last evaluated 2026-01-28.

Conditions:
Malignant hyperthermia, susceptibility to, 5 (MHS5). Also called: CACNA1S-Related Malignant Hyperthermia Susceptibility. Identifiers: Orphanet 423, MedGen C1866077, MONDO:0011163, OMIM 601887.
Hypokalemic periodic paralysis, type 1. Also called: Hypokalemic Periodic Paralysis Type 1 (AD); HypoPP. Identifiers: Orphanet 681, MedGen C3714580, MONDO:0042979, OMIM 170400.
Thyrotoxic periodic paralysis, susceptibility to, 1 (TTPP1). Identifiers: Orphanet 79102, MedGen C2749982, MONDO:0008570, OMIM 188580.

Allele frequency attached by ClinVar (database versions not stated): gnomAD exomes 0.00001 and 0.00002; ExAC 0.00002; TOPMed 0.00007; gnomAD 0.00009; 1000 Genomes Project 30x 0.00031; 1000 Genomes Project 0.00040.
gnomAD v4.1: 25 of 1,614,040 alleles (0.0015%); highest among the groups gnomAD compares: African/African-American, 0.021%; no homozygotes.

Submissions (4):

Labcorp Genetics (formerly Invitae), Labcorp
Classification: Benign for Hypokalemic periodic paralysis, type 1; Malignant hyperthermia, susceptibility to, 5. Last evaluated: 2026-01-28. Review status: criteria provided, single submitter. Criteria: Invitae Variant Classification Sherloc (09022015). Collection method: clinical testing. Allele origin: germline.

All of Us Research Program, National Institutes of Health
Classification: Uncertain significance for Malignant hyperthermia, susceptibility to, 5. Last evaluated: 2024-05-24. Review status: criteria provided, single submitter. Criteria: ACMG Guidelines, 2015. Collection method: clinical testing. Allele origin: germline. Inheritance: Autosomal dominant inheritance. Observed: 6 variant alleles, 6 heterozygotes.
Comment: This missense variant replaces alanine with threonine at codon 1023 of the CACNA1S protein. Computational prediction suggests that this variant may have deleterious impact on protein structure and function (internally defined REVEL score threshold >= 0.7, PMID: 27666373). To our knowledge, functional studies have not been reported for this variant. This variant has not been reported in individuals affected with CACNA1S-related disorders in the literature. This variant has been identified in 8/282412 chromosomes in the general population by the Genome Aggregation Database (gnomAD). The available evidence is insufficient to determine the role of this variant in disease conclusively. Therefore, this variant is classified as a Variant of Uncertain Significance.

This study involves interpretation of variants in research participants for the purpose of population health screening. Participant phenotype was not available at the time of variant classification. Additional details can be found in publication PMID: 35346344, PMCID: PMC8962531

GeneDx
Classification: Uncertain significance. Last evaluated: 2023-08-28. Review status: criteria provided, single submitter. Criteria: GeneDx Variant Classification Process June 2021. Collection method: clinical testing. Allele origin: germline. Affected: yes.
Comment: In silico analysis supports that this missense variant has a deleterious effect on protein structure/function; Has not been previously published as pathogenic or benign to our knowledge

Fulgent Genetics
Classification: Uncertain significance for Hypokalemic periodic paralysis, type 1; Thyrotoxic periodic paralysis, susceptibility to, 1; Malignant hyperthermia, susceptibility to, 5. Last evaluated: 2021-11-17. Review status: criteria provided, single submitter. Criteria: ACMG Guidelines, 2015. Collection method: clinical testing. Allele origin: unknown.